The following is an entry in ClinVar:

ClinVar aggregate classification (germline): Benign/Likely benign. Review status: criteria provided, multiple submitters, no conflicts (2 of 4 stars). 3 submissions from 3 submitters: Benign (2); Likely benign (1). Last evaluated 2022-06-01.

Allele frequency attached by ClinVar (database versions not stated): 1000 Genomes Project 0.00100; 1000 Genomes Project 30x 0.00109; TOPMed 0.00282; gnomAD 0.00360 and 0.00375; gnomAD exomes 0.00391 and 0.00471; ESP Exome Variant Server 0.00423; ExAC 0.00431.
gnomAD v4.1: 7,383 of 1,613,950 alleles (0.46%); highest among the groups gnomAD compares: Non-Finnish European, 0.53%; 28 homozygotes.

Submissions (3):

CeGaT Center for Human Genetics Tuebingen
Classification: Likely benign. Last evaluated: 2022-06-01. Review status: criteria provided, single submitter. Criteria: CeGaT Center For Human Genetics Tuebingen Variant Classification Criteria Version 2. Collection method: clinical testing. Allele origin: germline. Affected: yes. Observed: 1 variant allele.
Comment: WDR7: BP4, BP7

Labcorp Genetics (formerly Invitae), Labcorp
Classification: Benign. Last evaluated: 2018-09-12. Review status: criteria provided, single submitter. Criteria: Invitae Variant Classification Sherloc (09022015). Collection method: clinical testing. Allele origin: germline.

Breakthrough Genomics
Classification: Benign. Review status: criteria provided, single submitter. Criteria: ACMG Guidelines, 2015. Collection method: not provided. Allele origin: germline. Inheritance: Unknown mechanism. Affected: yes.

NM_015285.3(WDR7):c.3021C>T (p.Pro1007=)

Gene: WDR7 (WD repeat domain 7; plus strand). Cytogenetic location: 18q21.31.
Variant type: single nucleotide variant.
Coding change: c.3021C>T on transcript NM_015285.3 (MANE Select); coding-DNA position 3021, C replaced by T.
Protein change: p.Pro1007=; no amino-acid change (proline 1007 retained).
Molecular consequence: synonymous variant.
Genome position (GRCh38, 1-based): chr18:56,779,504, C>T. VCF-style: chr18-56779504-C-T. GRCh37 (hg19) VCF-style: chr18-54446735-C-T.
Other names: c.2922C>T, p.Pro974= (NM_001382485.1, NM_052834.3); c.3021C>T, p.Pro1007= (NM_001382487.1).
Identifiers: ClinVar variation 770452 (VCV000770452.28), dbSNP rs34678096, ClinGen allele CA8971730.
Genomic context (GRCh38, chr18:56,779,504, plus strand): 5'-AGCTGCTATGCACTGTGTTATGCTGCCAGACCTACTGGGATTGGATAAATTTAGGCCTCC[C>T]CTTCTGGAGATGCTGGCCCGAAGATGGCAAGATCGATGCTTGGAGGTAATGCTAAAGTGA-3'
Protein context (NP_056100.2, residues 997-1017): DLLGLDKFRP[Pro1007=]LLEMLARRWQ